The following is an entry in ClinVar:

ClinVar aggregate classification (germline): Uncertain significance (1 of 4 stars; one submission).

Submission:

Labcorp Genetics (formerly Invitae), Labcorp
Classification: Uncertain significance. Last evaluated: 2025-04-08. Review status: criteria provided, single submitter. Criteria: Invitae Variant Classification Sherloc (09022015). Collection method: clinical testing. Allele origin: germline.
Comment: This sequence change replaces alanine, which is neutral and non-polar, with proline, which is neutral and non-polar, at codon 1115 of the DCHS1 protein (p.Ala1115Pro). This variant is not present in population databases (gnomAD no frequency). This variant has not been reported in the literature in individuals affected with DCHS1-related conditions. ClinVar contains an entry for this variant (Variation ID: 3611324). Invitae Evidence Modeling of protein sequence and biophysical properties (such as structural, functional, and spatial information, amino acid conservation, physicochemical variation, residue mobility, and thermodynamic stability) indicates that this missense variant is not expected to disrupt DCHS1 protein function with a negative predictive value of 80%. In summary, the available evidence is currently insufficient to determine the role of this variant in disease. Therefore, it has been classified as a Variant of Uncertain Significance.

NM_003737.4(DCHS1):c.3343G>C (p.Ala1115Pro)

Gene: DCHS1 (dachsous cadherin-related 1; minus strand). Cytogenetic location: 11p15.4.
Variant type: single nucleotide variant.
Coding change: c.3343G>C on transcript NM_003737.4 (MANE Select); coding-DNA position 3343, G replaced by C.
Protein change: p.Ala1115Pro; replaces alanine 1115 with proline.
Molecular consequence: missense variant.
Genome position (GRCh38, 1-based): chr11:6,632,169, C>G on the plus strand (G>C on the coding strand, the complement: DCHS1 is on the minus strand). VCF-style: chr11-6632169-C-G. GRCh37 (hg19) VCF-style: chr11-6653400-C-G.
Other names: short protein forms A1115P.
Identifiers: ClinVar variation 3611324 (VCV003611324.2).